The following is an entry in ClinVar:

NM_001270.4(CHD1):c.2780A>T (p.Lys927Ile)

Gene: CHD1 (chromodomain helicase DNA binding protein 1; minus strand). Cytogenetic location: 5q15.
Variant type: single nucleotide variant.
Coding change: c.2780A>T on transcript NM_001270.4 (MANE Select); coding-DNA position 2780, A replaced by T.
Protein change: p.Lys927Ile; replaces lysine 927 with isoleucine.
Molecular consequence: missense variant. On other transcripts: non-coding transcript variant (2).
Genome position (GRCh38, 1-based): chr5:98,882,062, T>A on the plus strand (A>T on the coding strand, the complement: CHD1 is on the minus strand). VCF-style: chr5-98882062-T-A. GRCh37 (hg19) VCF-style: chr5-98217766-T-A.
Other names: c.2780A>T, p.Lys927Ile (NM_001364113.3, NM_001376194.2); short protein forms K927I.
Identifiers: ClinVar variation 1307315 (VCV001307315.2), dbSNP rs2112399559, ClinGen allele CA360511011.
Genomic context (GRCh38, chr5:98,882,062, plus strand): 5'-ACTGTCTTCCCAGTTGTGTCCATTCTTTGAATTACAAGATGATCTAAAACCATCTTCTTT[T>A]TCGCCCTTTCAAGAATATCTTCTTCAACTGATCCCTTTGTAACTAGACGATAAATATTCA-3'
Protein context (NP_001261.2, residues 917-937): SVEEDILERA[Lys927Ile]KKMVLDHLVI

ClinVar aggregate classification (germline): Uncertain significance (1 of 4 stars; one submission).

Submission:

GeneDx
Classification: Uncertain significance. Last evaluated: 2019-03-11. Review status: criteria provided, single submitter. Criteria: GeneDx Variant Classification Process June 2021. Collection method: clinical testing. Allele origin: germline. Affected: yes.
Comment: Not observed in large population cohorts (Lek et al., 2016; McVean et al., 2012; Exome Variant Server); In silico analysis, which includes protein predictors and evolutionary conservation, supports a deleterious effect; Has not been previously published as pathogenic or benign to our knowledge